The following is an entry in ClinVar:

ClinVar aggregate classification (germline): Uncertain significance. Review status: criteria provided, multiple submitters, no conflicts (2 of 4 stars). 2 submissions from 2 submitters: Uncertain significance (2). Last evaluated 2025-07-31.

Allele frequency attached by ClinVar (database versions not stated): TOPMed 0.00002; gnomAD exomes 0.00004; gnomAD 0.00005; ExAC 0.00007; 1000 Genomes Project 0.00020; 1000 Genomes Project 30x 0.00031.
gnomAD v4.1: 68 of 1,610,880 alleles (0.0042%); highest among the groups gnomAD compares: South Asian, 0.035%; no homozygotes.

Submissions (2):

Ambry Genetics
Classification: Uncertain significance. Last evaluated: 2025-07-31. Review status: criteria provided, single submitter. Criteria: Ambry Variant Classification Scheme 2023. Collection method: clinical testing. Allele origin: germline.

CeGaT Center for Human Genetics Tuebingen
Classification: Uncertain significance. Last evaluated: 2022-07-01. Review status: criteria provided, single submitter. Criteria: CeGaT Center For Human Genetics Tuebingen Variant Classification Criteria Version 2. Collection method: clinical testing. Allele origin: germline. Affected: yes. Observed: 1 variant allele.
Comment: TENM4: PP3

NM_001098816.3(TENM4):c.5323G>A (p.Gly1775Ser)

Gene: TENM4 (teneurin transmembrane protein 4; minus strand). Cytogenetic location: 11q14.1.
Variant type: single nucleotide variant.
Coding change: c.5323G>A on transcript NM_001098816.3 (MANE Select); coding-DNA position 5323, G replaced by A.
Protein change: p.Gly1775Ser; replaces glycine 1775 with serine.
Molecular consequence: missense variant.
Genome position (GRCh38, 1-based): chr11:78,676,325, C>T on the plus strand (G>A on the coding strand, the complement: TENM4 is on the minus strand). VCF-style: chr11-78676325-C-T. GRCh37 (hg19) VCF-style: chr11-78387370-C-T.
Other names: c.5323G>A (NM_001098816.2); short protein forms G1775S.
Identifiers: ClinVar variation 2642216 (VCV002642216.25), dbSNP rs575393534, ClinGen allele CA6206640.